The following is an entry in ClinVar:

NM_001792.5(CDH2):c.619A>T (p.Thr207Ser)

Gene: CDH2 (cadherin 2; minus strand). Cytogenetic location: 18q12.1.
Variant type: single nucleotide variant.
Coding change: c.619A>T on transcript NM_001792.5 (MANE Select); coding-DNA position 619, A replaced by T.
Protein change: p.Thr207Ser; replaces threonine 207 with serine.
Molecular consequence: missense variant.
Genome position (GRCh38, 1-based): chr18:28,009,800, T>A on the plus strand (A>T on the coding strand, the complement: CDH2 is on the minus strand). VCF-style: chr18-28009800-T-A. GRCh37 (hg19) VCF-style: chr18-25589764-T-A.
Other names: c.526A>T, p.Thr176Ser (NM_001308176.2); short protein forms T207S, T176S.
Identifiers: ClinVar variation 1510984 (VCV001510984.9), dbSNP rs150141832, ClinGen allele CA8923643.
Genomic context (GRCh38, chr18:28,009,800, plus strand): 5'-GATCCAGGGGCTTTGTCACCGACAGCTGACCCGAGATGGGGTTGATAATGAAGATACCAG[T>A]TGGAGGCTGGTCAGCTCCTGGCCCAGTTACACTGTACCGCAGTGAAAGGTTTTTATCTCT-3'
Protein context (NP_001783.2, residues 197-217): VTGPGADQPP[Thr207Ser]GIFIINPISG

ClinVar aggregate classification (germline): Uncertain significance. Review status: criteria provided, multiple submitters, no conflicts (2 of 4 stars). 2 submissions from 2 submitters: Uncertain significance (2). Last evaluated 2024-08-23.

Conditions:
Inborn genetic diseases. Identifiers: MedGen C0950123, MeSH D030342.

gnomAD v4.1: 63 of 1,613,802 alleles (0.0039%); highest among the groups gnomAD compares: Middle Eastern, 0.033%; 1 homozygote.

Submissions (2):

Ambry Genetics
Classification: Uncertain significance for Inborn genetic diseases. Last evaluated: 2024-08-23. Review status: criteria provided, single submitter. Criteria: Ambry Variant Classification Scheme 2023. Collection method: clinical testing. Allele origin: germline.
Comment: The p.T207S variant (also known as c.619A>T), located in coding exon 5 of the CDH2 gene, results from an A to T substitution at nucleotide position 619. The threonine at codon 207 is replaced by serine, an amino acid with similar properties. This amino acid position is conserved. In addition, this alteration is predicted to be tolerated by in silico analysis. Since supporting evidence is limited at this time, the clinical significance of this alteration remains unclear.

Labcorp Genetics (formerly Invitae), Labcorp
Classification: Uncertain significance. Last evaluated: 2023-05-21. Review status: criteria provided, single submitter. Criteria: Invitae Variant Classification Sherloc (09022015). Collection method: clinical testing. Allele origin: germline.
Comment: This sequence change replaces threonine, which is neutral and polar, with serine, which is neutral and polar, at codon 207 of the CDH2 protein (p.Thr207Ser). In summary, the available evidence is currently insufficient to determine the role of this variant in disease. Therefore, it has been classified as a Variant of Uncertain Significance. An algorithm developed to predict the effect of missense changes on protein structure and function (PolyPhen-2) suggests that this variant is likely to be tolerated. ClinVar contains an entry for this variant (Variation ID: 1510984). This variant has not been reported in the literature in individuals affected with CDH2-related conditions. This variant is present in population databases (rs150141832, gnomAD 0.004%).